The following is an entry in ClinVar:

ClinVar aggregate classification (germline): Conflicting classifications of pathogenicity. Review status: criteria provided, conflicting classifications (1 of 4 stars). 7 submissions from 6 submitters: Uncertain significance (2); Likely benign (4). 1 of the submissions does not count toward it. Last evaluated 2025-12-30.

Conditions:
NF1-related disorder. Also called: NF1-related condition. Identifiers: MedGen CN379171.
Hereditary cancer-predisposing syndrome. Also called: Hereditary Cancer Syndrome; Neoplastic Syndromes, Hereditary; Tumor predisposition; Hereditary neoplastic syndrome. Identifiers: Orphanet 140162, MedGen C0027672, MeSH D009386, MONDO:0015356.
Cardiovascular phenotype. Identifiers: MedGen CN230736.
Neurofibromatosis, type 1 (NF1). Also called: NEUROFIBROMATOSIS, TYPE I, SOMATIC; VON RECKLINGHAUSEN DISEASE; Peripheral type neurofibromatosis; Neurofibromatosis, type I. Identifiers: Orphanet 636, MedGen C0027831, MONDO:0018975, OMIM 162200. Disease mechanism: loss of function.

Allele frequency attached by ClinVar (database versions not stated): ExAC 0.00001; gnomAD 0.00001; TOPMed 0.00002; gnomAD exomes 0.00003 and 0.00004.
gnomAD v4.1: 47 of 1,613,140 alleles (0.0029%); highest among the groups gnomAD compares: Admixed American, 0.012%; no homozygotes.

Submissions (7):

Labcorp Genetics (formerly Invitae), Labcorp
Classification: Likely benign for Neurofibromatosis, type 1. Last evaluated: 2025-12-30. Review status: criteria provided, single submitter. Criteria: Invitae Variant Classification Sherloc (09022015). Collection method: clinical testing. Allele origin: germline.

Ambry Genetics
Classification: Likely benign for Cardiovascular phenotype; Hereditary cancer-predisposing syndrome. Last evaluated: 2021-05-06. Review status: criteria provided, single submitter. Criteria: Ambry Variant Classification Scheme 2023. Collection method: clinical testing. Allele origin: germline.

Genome Diagnostics Laboratory, The Hospital for Sick Children
Classification: Uncertain significance for Neurofibromatosis, type 1. Last evaluated: 2020-10-26. Review status: criteria provided, single submitter. Criteria: ACMG Guidelines, 2015. Collection method: clinical testing. Allele origin: germline. Affected: yes.

GeneDx
Classification: Likely benign. Last evaluated: 2020-09-18. Review status: criteria provided, single submitter. Criteria: GeneDx Variant Classification Process June 2021. Collection method: clinical testing. Allele origin: germline. Affected: yes.

Center for Human Genetics, Inc
Classification: Likely benign for Neurofibromatosis, type 1. Last evaluated: 2016-11-01. Review status: criteria provided, single submitter. Criteria: ACMG Guidelines, 2015. Collection method: clinical testing. Allele origin: germline. Affected: yes.

Ambry Genetics
Classification: Uncertain significance for Hereditary cancer-predisposing syndrome. Last evaluated: 2015-09-26. Review status: criteria provided, single submitter. Criteria: Ambry Autosomal Dominant and X-Linked criteria (10/2015). Collection method: clinical testing. Allele origin: germline. Observed: 1 variant allele.
Comment: Thep.T2433Ivariant (also known as c.7298C>T), located in coding exon 49 of theNF1gene, results from a C to T substitution at nucleotide position 7298. The threonine at codon 2433 is replaced by isoleucine, an amino acid with similar properties. This variant was not reported in population based cohorts in the following databases: Database of Single Nucleotide Polymorphisms (dbSNP), NHLBI Exome Sequencing Project (ESP), and 1000 Genomes Project. In the ESP, this variant was not observed in 6503 samples (13006 alleles) with coverage at this position. To date, this alteration has been detected with an allele frequency of approximately 0.006% (greater than 110000 alleles tested) in our clinical cohort. This amino acid position is highly conserved in available vertebrate species. In addition, the in silico prediction for this alteration is inconclusive. Since supporting evidence is limited at this time, the clinical significance of p.T2433I remains unclear.

PreventionGenetics, part of Exact Sciences
Classification: Uncertain significance for NF1-related condition. Last evaluated: 2024-07-25. Review status: no assertion criteria provided. Collection method: clinical testing. Allele origin: germline. Not counted in ClinVar's aggregate classification.
Comment: The NF1 c.7298C>T variant is predicted to result in the amino acid substitution p.Thr2433Ile. To our knowledge, this variant has not been reported in the literature. This variant is also known as c.7235C>T (p.Thr2412Ile) under an alternative transcript NM_000267. This variant is reported in 0.020% of alleles in individuals of Latino descent in gnomAD, which may be too common to be a primary cause of disease. This variant has conflicting interpretations regarding its pathogenicity in ClinVar, ranging from likely benign to uncertain. Although we suspect this variant may be benign, at this time, the clinical significance is uncertain due to the absence of conclusive functional and genetic evidence.

NM_001042492.3(NF1):c.7298C>T (p.Thr2433Ile)

Gene: NF1 (neurofibromin 1; plus strand). Cytogenetic location: 17q11.2.
Variant type: single nucleotide variant.
Coding change: c.7298C>T on transcript NM_001042492.3 (MANE Select); coding-DNA position 7298, C replaced by T.
Protein change: p.Thr2433Ile; replaces threonine 2433 with isoleucine.
Molecular consequence: missense variant.
Genome position (GRCh38, 1-based): chr17:31,349,228, C>T. VCF-style: chr17-31349228-C-T. GRCh37 (hg19) VCF-style: chr17-29676246-C-T.
Other names: c.7235C>T, p.Thr2412Ile (NM_000267.4); short protein forms T2412I, T2433I.
Identifiers: ClinVar variation 186928 (VCV000186928.20), dbSNP rs755749772, ClinGen allele CA196260.